The following is an entry in ClinVar:

NM_006790.3(MYOT):c.782T>C (p.Ile261Thr)

Genes: MYOT (myotilin; plus strand), PKD2L2-DT (PKD2L2 divergent transcript; minus strand). Cytogenetic location: 5q31.2.
Variant type: single nucleotide variant.
Coding change: c.782T>C on transcript NM_006790.3 (MANE Select); coding-DNA position 782, T replaced by C.
Protein change: p.Ile261Thr; replaces isoleucine 261 with threonine.
Molecular consequence: missense variant.
Genome position (GRCh38, 1-based): chr5:137,882,071, T>C. VCF-style: chr5-137882071-T-C. GRCh37 (hg19) VCF-style: chr5-137217760-T-C.
Other names: c.230T>C, p.Ile77Thr (NM_001135940.2); c.437T>C, p.Ile146Thr (NM_001300911.2); c.782T>C (NM_006790.2); short protein forms I261T, I77T, I146T.
Identifiers: ClinVar variation 596642 (VCV000596642.15), dbSNP rs764439615, ClinGen allele CA3423035.

ClinVar aggregate classification (germline): Uncertain significance. Review status: criteria provided, multiple submitters, no conflicts (2 of 4 stars). 2 submissions from 2 submitters: Uncertain significance (2). Last evaluated 2022-09-27.

Conditions:
Myofibrillar myopathy 3 (MFM3). Also called: Muscular dystrophy, proximal, type 1A; Autosomal dominant spheroid body myopathy. Identifiers: Orphanet 266, Orphanet 268129, MedGen C3714934, MONDO:0012215, OMIM 609200.

Allele frequency attached by ClinVar (database versions not stated): ExAC 0.00001; gnomAD exomes 0.00001 and 0.00002; TOPMed 0.00001; gnomAD 0.00002.

Submissions (2):

Labcorp Genetics (formerly Invitae), Labcorp
Classification: Uncertain significance for Myofibrillar myopathy 3. Last evaluated: 2022-09-27. Review status: criteria provided, single submitter. Criteria: Invitae Variant Classification Sherloc (09022015). Collection method: clinical testing. Allele origin: germline.
Comment: In summary, the available evidence is currently insufficient to determine the role of this variant in disease. Therefore, it has been classified as a Variant of Uncertain Significance. Algorithms developed to predict the effect of missense changes on protein structure and function (SIFT, PolyPhen-2, Align-GVGD) all suggest that this variant is likely to be disruptive. ClinVar contains an entry for this variant (Variation ID: 596642). This variant has not been reported in the literature in individuals affected with MYOT-related conditions. The frequency data for this variant in the population databases is considered unreliable, as metrics indicate poor data quality at this position in the gnomAD database. This sequence change replaces isoleucine, which is neutral and non-polar, with threonine, which is neutral and polar, at codon 261 of the MYOT protein (p.Ile261Thr).

Eurofins Ntd Llc (ga)
Classification: Uncertain significance. Last evaluated: 2018-03-23. Review status: criteria provided, single submitter. Criteria: EGL ClinVar v180209 classification definitions. Collection method: clinical testing. Allele origin: germline. Observed: 1 variant allele, 1 heterozygote.